The following is an entry in ClinVar:

NM_014915.3(ANKRD26):c.4996G>A (p.Glu1666Lys)

Gene: ANKRD26 (ankyrin repeat domain containing 26; minus strand). Cytogenetic location: 10p12.1.
Variant type: single nucleotide variant.
Coding change: c.4996G>A on transcript NM_014915.3 (MANE Select); coding-DNA position 4996, G replaced by A.
Protein change: p.Glu1666Lys; replaces glutamic acid 1666 with lysine.
Molecular consequence: missense variant.
Genome position (GRCh38, 1-based): chr10:27,006,920, C>T on the plus strand (G>A on the coding strand, the complement: ANKRD26 is on the minus strand). VCF-style: chr10-27006920-C-T. GRCh37 (hg19) VCF-style: chr10-27295849-C-T.
Other names: c.4993G>A, p.Glu1665Lys (NM_001256053.2); short protein forms E1665K, E1666K.
Identifiers: ClinVar variation 4104234 (VCV004104234.1).
Genomic context (GRCh38, chr10:27,006,920, plus strand): 5'-TTATTTCAGAAATCAATTAATTAATCTAAATTTAATTCATGAAGTTTGGCAACATACCTT[C>T]TTTGAGTTCTCTAGTTATATTTTTTTCCAACTCCTGCTGCATCTGAAAAAAGTCAAATGT-3'
Protein context (NP_055730.2, residues 1656-1676): LEKNITRELK[Glu1666Lys]AAAELESGSI

ClinVar aggregate classification (germline): Uncertain significance (1 of 4 stars; one submission).

Conditions:
Inborn genetic diseases. Identifiers: MedGen C0950123, MeSH D030342.

Submission:

Ambry Genetics
Classification: Uncertain significance for Inborn genetic diseases. Last evaluated: 2025-08-15. Review status: criteria provided, single submitter. Criteria: Ambry Variant Classification Scheme 2023. Collection method: clinical testing. Allele origin: germline.
Comment: The p.E1666K variant (also known as c.4996G>A), located in coding exon 33 of the ANKRD26 gene, results from a G to A substitution at nucleotide position 4996. The glutamic acid at codon 1666 is replaced by lysine, an amino acid with similar properties. This amino acid position is conserved. In addition, this alteration is predicted to be tolerated by in silico analysis. Based on the available evidence, the clinical significance of this variant remains unclear.